The following is an entry in ClinVar:

ClinVar aggregate classification (germline): Uncertain significance (1 of 4 stars; one submission).

gnomAD v4.1: 8 of 1,592,118 alleles (0.0005%); highest among the groups gnomAD compares: East Asian, 0.0023%; no homozygotes.

Submission:

Mayo Clinic Laboratories, Mayo Clinic
Classification: Uncertain significance. Last evaluated: 2024-04-15. Review status: criteria provided, single submitter. Criteria: ACMG Guidelines, 2015. Collection method: clinical testing. Allele origin: germline. Observed: 1 variant allele.
Comment: PM2

NM_001365276.2(TNXB):c.270C>T (p.Gly90=)

Gene: TNXB (tenascin XB; minus strand). Cytogenetic location: 6p21.33.
Variant type: single nucleotide variant.
Coding change: c.270C>T on transcript NM_001365276.2 (MANE Select); coding-DNA position 270, C replaced by T.
Protein change: p.Gly90=; no amino-acid change (glycine 90 retained).
Molecular consequence: synonymous variant.
Genome position (GRCh38, 1-based): chr6:32,097,929, G>A on the plus strand (C>T on the coding strand, the complement: TNXB is on the minus strand). VCF-style: chr6-32097929-G-A. GRCh37 (hg19) VCF-style: chr6-32065706-G-A.
Other names: p.Gly90=; c.270C>T, p.Gly90= (NM_001428335.1, NM_019105.8).
Identifiers: ClinVar variation 3379671 (VCV003379671.1).